The following is an entry in ClinVar:

NM_152564.5(VPS13B):c.2048A>T (p.Gln683Leu)

Gene: VPS13B (vacuolar protein sorting 13 homolog B; plus strand). Cytogenetic location: 8q22.2.
Variant type: single nucleotide variant.
Coding change: c.2048A>T on transcript NM_152564.5 (MANE Select); coding-DNA position 2048, A replaced by T.
Protein change: p.Gln683Leu; replaces glutamine 683 with leucine.
Molecular consequence: missense variant.
Genome position (GRCh38, 1-based): chr8:99,156,583, A>T. VCF-style: chr8-99156583-A-T. GRCh37 (hg19) VCF-style: chr8-100168811-A-T.
Other names: c.2048A>T (NM_152564.4, NM_017890.3); c.2048A>T, p.Gln683Leu (NM_015243.3, NM_017890.5); short protein forms Q683L.
Identifiers: ClinVar variation 579197 (VCV000579197.21), dbSNP rs372585253, ClinGen allele CA4822822.

ClinVar aggregate classification (germline): Conflicting classifications of pathogenicity. Review status: criteria provided, conflicting classifications (1 of 4 stars). 8 submissions from 8 submitters: Uncertain significance (5); Likely benign (1). 2 of the submissions do not count toward it. Last evaluated 2026-02-11.

Conditions:
Inborn genetic diseases. Identifiers: MedGen C0950123, MeSH D030342.
Cohen syndrome (COH1). Also called: PEPPER SYNDROME; Cutis verticis gyrata, retinitis pigmentosa, and sensorineural deafness. Identifiers: Orphanet 193, MedGen C0265223, MONDO:0008999, OMIM 216550.
VPS13B-related disorder. Also called: VPS13B-related condition.

Allele frequency attached by ClinVar (database versions not stated): TOPMed 0.00015.
gnomAD v4.1: 36 of 1,614,096 alleles (0.0022%); highest among the groups gnomAD compares: African/African-American, 0.044%; no homozygotes.

Submissions (8):

St. Jude Molecular Pathology, St. Jude Children's Research Hospital
Classification: Uncertain significance for Cohen syndrome. Last evaluated: 2026-02-11. Review status: criteria provided, single submitter. Criteria: St. Jude Assertion Criteria 2020. Collection method: clinical testing. Allele origin: germline.
Comment: The VPS13B c.2048A>T p.(Gln683Leu) missense change has a maximum subpopulation frequency of 0.052% in gnomAD v2.1.1. The in silico tool REVEL is inconclusive about a pathogenic or benign effect of this variant on protein function, and to our knowledge functional studies have not been performed. To our knowledge, this variant has not been reported in individuals with Cohen syndrome. In summary, the evidence currently available is insufficient to determine the clinical significance of this variant. It has therefore been classified as of uncertain significance.

Labcorp Genetics (formerly Invitae), Labcorp
Classification: Likely benign for Cohen syndrome. Last evaluated: 2025-10-26. Review status: criteria provided, single submitter. Criteria: Invitae Variant Classification Sherloc (09022015). Collection method: clinical testing. Allele origin: germline.

Mayo Clinic Laboratories, Mayo Clinic
Classification: Uncertain significance. Last evaluated: 2025-05-16. Review status: criteria provided, single submitter. Criteria: ACMG Guidelines, 2015. Collection method: clinical testing. Allele origin: germline. Observed: 2 variant alleles.
Comment: BP1

Ambry Genetics
Classification: Uncertain significance for Inborn genetic diseases. Last evaluated: 2024-11-09. Review status: criteria provided, single submitter. Criteria: Ambry Variant Classification Scheme 2023. Collection method: clinical testing. Allele origin: germline.

Blueprint Genetics
Classification: Uncertain significance. Last evaluated: 2024-02-15. Review status: criteria provided, single submitter. Criteria: ACMG Guidelines, 2015. Collection method: clinical testing. Allele origin: germline.

GeneDx
Classification: Uncertain significance. Last evaluated: 2022-04-21. Review status: criteria provided, single submitter. Criteria: GeneDx Variant Classification Process June 2021. Collection method: clinical testing. Allele origin: germline. Affected: yes.
Comment: In silico analysis supports that this missense variant has a deleterious effect on protein structure/function; Has not been previously published as pathogenic or benign to our knowledge

PreventionGenetics, part of Exact Sciences
Classification: Uncertain significance for VPS13B-related condition. Last evaluated: 2024-06-10. Review status: no assertion criteria provided. Collection method: clinical testing. Allele origin: germline. Not counted in ClinVar's aggregate classification.
Comment: The VPS13B c.2048A>T variant is predicted to result in the amino acid substitution p.Gln683Leu. To our knowledge, this variant has not been reported in the literature. This variant is reported in 0.052% of alleles in individuals of African descent in gnomAD, which may be too frequent to be a primary cause of disease. Although we suspect that this variant may be benign, at this time, the clinical significance of this variant is uncertain due to the absence of conclusive functional and genetic evidence.

Natera, Inc.
Classification: Uncertain significance for Cohen syndrome. Last evaluated: 2019-11-11. Review status: no assertion criteria provided. Collection method: clinical testing. Allele origin: germline. Not counted in ClinVar's aggregate classification.